The following is an entry in ClinVar:

ClinVar aggregate classification (germline): Benign/Likely benign. Review status: criteria provided, multiple submitters, no conflicts (2 of 4 stars). 5 submissions from 5 submitters: Benign (1); Likely benign (4). Last evaluated 2025-12-24.

Conditions:
Congenital contractural arachnodactyly (CCA). Also called: BEALS SYNDROME; Beals-Hecht syndrome; Arthrogryposis, distal, type 9. Identifiers: Orphanet 115, MedGen C0220668, MONDO:0007363, OMIM 121050.
Familial thoracic aortic aneurysm and aortic dissection (TAAD). Also called: Thoracic aortic aneurysms and dissections. Identifiers: Orphanet 91387, MedGen C4707243, MONDO:0019625.

Allele frequency attached by ClinVar (database versions not stated): ExAC 0.00001; gnomAD exomes 0.00001; gnomAD 0.00004 and 0.00005; TOPMed 0.00009.
gnomAD v4.1: 21 of 1,613,808 alleles (0.0013%); highest among the groups gnomAD compares: Admixed American, 0.012%; no homozygotes.

Submissions (5):

Labcorp Genetics (formerly Invitae), Labcorp
Classification: Benign for Congenital contractural arachnodactyly. Last evaluated: 2025-12-24. Review status: criteria provided, single submitter. Criteria: Invitae Variant Classification Sherloc (09022015). Collection method: clinical testing. Allele origin: germline.

ARUP Laboratories, Molecular Genetics and Genomics, ARUP Laboratories
Classification: Likely benign. Last evaluated: 2024-08-26. Review status: criteria provided, single submitter. Criteria: ARUP Molecular Germline Variant Investigation Process 2024. Collection method: clinical testing. Allele origin: germline.

Blueprint Genetics
Classification: Likely benign. Last evaluated: 2023-01-11. Review status: criteria provided, single submitter. Criteria: ACMG Guidelines, 2015. Collection method: clinical testing. Allele origin: germline.

Ambry Genetics
Classification: Likely benign for Familial thoracic aortic aneurysm and aortic dissection. Last evaluated: 2022-10-17. Review status: criteria provided, single submitter. Criteria: Ambry Variant Classification Scheme 2023. Collection method: clinical testing. Allele origin: germline.

GeneDx
Classification: Likely benign. Last evaluated: 2017-09-27. Review status: criteria provided, single submitter. Criteria: GeneDx Variant Classification (06012015). Collection method: clinical testing. Allele origin: germline. Affected: yes.
Comment: This variant is considered likely benign or benign based on one or more of the following criteria: it is a conservative change, it occurs at a poorly conserved position in the protein, it is predicted to be benign by multiple in silico algorithms, and/or has population frequency not consistent with disease.

NM_001999.4(FBN2):c.6297T>C (p.Thr2099=)

Gene: FBN2 (fibrillin 2; minus strand). Cytogenetic location: 5q23.3.
Variant type: single nucleotide variant.
Coding change: c.6297T>C on transcript NM_001999.4 (MANE Select); coding-DNA position 6297, T replaced by C.
Protein change: p.Thr2099=; no amino-acid change (threonine 2099 retained).
Molecular consequence: synonymous variant.
Genome position (GRCh38, 1-based): chr5:128,290,880, A>G on the plus strand (T>C on the coding strand, the complement: FBN2 is on the minus strand). VCF-style: chr5-128290880-A-G. GRCh37 (hg19) VCF-style: chr5-127626572-A-G.
Identifiers: ClinVar variation 386198 (VCV000386198.10), dbSNP rs770778839, ClinGen allele CA3394440.